The following is an entry in ClinVar:

ClinVar aggregate classification (germline): Uncertain significance (1 of 4 stars; one submission).

Submission:

Greenwood Genetic Center Diagnostic Laboratories, Greenwood Genetic Center
Classification: Uncertain significance. Last evaluated: 2022-01-21. Review status: criteria provided, single submitter. Criteria: ACMG Guidelines, 2015. Collection method: clinical testing. Allele origin: germline. Affected: yes.
Comment: PM2

NM_001367721.1(CASK):c.281T>C (p.Met94Thr)

Gene: CASK (calcium/calmodulin dependent serine protein kinase; minus strand). Cytogenetic location: Xp11.4.
Variant type: single nucleotide variant.
Coding change: c.281T>C on transcript NM_001367721.1 (MANE Select); coding-DNA position 281, T replaced by C.
Protein change: p.Met94Thr; replaces methionine 94 with threonine.
Molecular consequence: missense variant.
Genome position (GRCh38, 1-based): chrX:41,745,599, A>G on the plus strand (T>C on the coding strand, the complement: CASK is on the minus strand). VCF-style: chrX-41745599-A-G. GRCh37 (hg19) VCF-style: chrX-41604852-A-G.
Other names: c.281T>C, p.Met94Thr (NM_001126054.3, NM_001126055.3, NM_001410745.1 and 1 more transcripts); short protein forms M94T.
Identifiers: ClinVar variation 1676544 (VCV001676544.3), dbSNP rs2147736309, ClinGen allele CA413003136.